The following is an entry in ClinVar:

NM_003136.4(SRP54):c.1423+4A>G

Gene: SRP54 (signal recognition particle 54; plus strand). Cytogenetic location: 14q13.2.
Variant type: single nucleotide variant.
Coding change: c.1423+4A>G on transcript NM_003136.4 (MANE Select); 4 bases into the intron after coding-DNA position 1423, A replaced by G.
Molecular consequence: intron variant.
Genome position (GRCh38, 1-based): chr14:35,028,187, A>G. VCF-style: chr14-35028187-A-G. GRCh37 (hg19) VCF-style: chr14-35497393-A-G.
Other names: c.1276+4A>G (NM_001146282.2).
Identifiers: ClinVar variation 1922712 (VCV001922712.6), dbSNP rs899290844, ClinGen allele CA258827993.

ClinVar aggregate classification (germline): Uncertain significance. Review status: criteria provided, multiple submitters, no conflicts (2 of 4 stars). 2 submissions from 2 submitters: Uncertain significance (2). Last evaluated 2022-07-21.

Allele frequency attached by ClinVar (database versions not stated): gnomAD exomes below 0.00001; TOPMed below 0.00001.
gnomAD v4.1: 5 of 1,592,238 alleles (0.00031%); highest among the groups gnomAD compares: Non-Finnish European, 0.00034%; no homozygotes.

Submissions (2):

Labcorp Genetics (formerly Invitae), Labcorp
Classification: Uncertain significance. Last evaluated: 2022-07-21. Review status: criteria provided, single submitter. Criteria: Invitae Variant Classification Sherloc (09022015). Collection method: clinical testing. Allele origin: germline.
Comment: Variants that disrupt the consensus splice site are a relatively common cause of aberrant splicing (PMID: 17576681, 9536098). Algorithms developed to predict the effect of sequence changes on RNA splicing suggest that this variant may disrupt the consensus splice site. This variant has not been reported in the literature in individuals affected with SRP54-related conditions. This variant is not present in population databases (gnomAD no frequency). This sequence change falls in intron 15 of the SRP54 gene. It does not directly change the encoded amino acid sequence of the SRP54 protein. It affects a nucleotide within the consensus splice site. In summary, the available evidence is currently insufficient to determine the role of this variant in disease. Therefore, it has been classified as a Variant of Uncertain Significance.

Blueprint Genetics
Classification: Uncertain significance. Last evaluated: 2020-07-28. Review status: criteria provided, single submitter. Criteria: ACMG Guidelines, 2015. Collection method: clinical testing. Allele origin: germline.

Literature cited by the submitters: PubMed 17576681 (cited by Labcorp Genetics (formerly Invitae), Labcorp); PubMed 9536098 (cited by Labcorp Genetics (formerly Invitae), Labcorp).